The following is an entry in ClinVar:

NM_002470.4(MYH3):c.2474T>G (p.Val825Gly)

Gene: MYH3 (myosin heavy chain 3; minus strand). Cytogenetic location: 17p13.1.
Variant type: single nucleotide variant.
Coding change: c.2474T>G on transcript NM_002470.4 (MANE Select); coding-DNA position 2474, T replaced by G.
Protein change: p.Val825Gly; replaces valine 825 with glycine.
Molecular consequence: missense variant.
Genome position (GRCh38, 1-based): chr17:10,640,204, A>C on the plus strand (T>G on the coding strand, the complement: MYH3 is on the minus strand). VCF-style: chr17-10640204-A-C. GRCh37 (hg19) VCF-style: chr17-10543521-A-C.
Other names: short protein forms V825G.
Identifiers: ClinVar variation 4531633 (VCV004531633.1).

ClinVar aggregate classification (germline): Uncertain significance (1 of 4 stars; one submission).

Conditions:
Arthrogryposis, distal, type 2B3. Also called: Arthrogryposis, distal, type 2B3 (Sheldon-Hall). Identifiers: MedGen C5193098, MONDO:0032751, OMIM 618436.

Submission:

Victorian Clinical Genetics Services, Murdoch Childrens Research Institute
Classification: Uncertain significance for Arthrogryposis, distal, type 2B3. Last evaluated: 2025-10-03. Review status: criteria provided, single submitter. Criteria: ACMG Guidelines, 2015. Collection method: clinical testing. Allele origin: germline. Affected: yes.
Comment: This variant is classified as VUS-3A. Evidence in support of pathogenic classification: Variant is absent from gnomAD (v2, v3 and v4); This variant has limited previous evidence of pathogenicity in an unrelated individual(s). This variant has been observed in an individual clinically diagnosed with distal arthrogryposis (PMID: 33060286); Another missense variant comparable to the one identified in this case has limited previous evidence for pathogenicity. p.(Val825Asp) has been reported in an individual diagnosed with Freeman-Sheldon syndrome (PMID: 16642020). p.(Val825Ile) has been classified as a VUS by multiple clinical laboratories (ClinVar); Missense variant predicted to be damaging by in silico tool(s) or highly conserved with a major amino acid change. Additional information: Variant is predicted to result in a missense amino acid change from Val to Gly; This variant is heterozygous; This gene is associated with both recessive and dominant disease. Individuals with recessive CPSFS1B usually have a second hit in the 5' UTR region which affects splicing, and was regarded as a hypomorphic allele, however some cases without this variant have been reported (PMID: 35169139). Missense and inframe variants have been reported for dominant disease (PMID: 29805041, OMIM); Alternative amino acid change(s) at the same position are present in gnomAD (Highest allele count: v4: 5 heterozygote(s), 0 homozygote(s)); No published evidence of segregation with disease has been identified for this variant; No published functional evidence has been identified for this variant; Variant is not located in an established domain, motif, hotspot or informative constraint region; Loss of function is a known mechanism of disease in this gene and is associated with contractures, pterygia, and spondylocarpotarsal fusion syndrome 1B (CPSFS1B; MIM#618469). While functional studies support a loss of function mechanism for missense variants causing arthrogryposis, distal, type 2A (Freeman-Sheldon) (DA2A; MIM#193700), arthrogryposis, distal, type 2B (Sheldon-Hall) (DA2B; MIM#618436) or contractures, pterygia, and spondylocarpostarsal fusion syndrome 1A (CPSFS1A, MIM#178110), dominant negative has not been excluded as a mechanism (PMID: 26945064); Variants in this gene are known to have variable expressivity, with individuals with the same variant presenting with varying severity (PMID: 29805041); Inheritance information for this variant is not currently available in this individual.

Literature cited by the submitters: PubMed 29805041; PubMed 16642020; PubMed 33060286; PubMed 26945064; PubMed 35169139.